The following is an entry in ClinVar:

NM_001010898.4(SLC6A17):c.1957G>A (p.Val653Met)

Gene: SLC6A17 (solute carrier family 6 member 17; plus strand). Cytogenetic location: 1p13.3.
Variant type: single nucleotide variant.
Coding change: c.1957G>A on transcript NM_001010898.4 (MANE Select); coding-DNA position 1957, G replaced by A.
Protein change: p.Val653Met; replaces valine 653 with methionine.
Molecular consequence: missense variant.
Genome position (GRCh38, 1-based): chr1:110,198,217, G>A. VCF-style: chr1-110198217-G-A. GRCh37 (hg19) VCF-style: chr1-110740839-G-A.
Other names: short protein forms V653M.
Identifiers: ClinVar variation 1034370 (VCV001034370.1), dbSNP rs757150136, ClinGen allele CA998327.

ClinVar aggregate classification (germline): Uncertain significance (1 of 4 stars; one submission).

Conditions:
Intellectual developmental disorder, autosomal recessive 48. Also called: Progressive essential tremor-speech impairment-facial dysmorphism-intellectual disability-abnormal behavior syndrome. Identifiers: Orphanet 457212, MedGen C4225395, MONDO:0014559, OMIM 616269.

Allele frequency attached by ClinVar (database versions not stated): gnomAD exomes 0.00001 and below 0.00001; gnomAD 0.00003; TOPMed 0.00003; ExAC 0.00002.
gnomAD v4.1: 8 of 1,614,012 alleles (0.0005%); highest among the groups gnomAD compares: African/African-American, 0.008%; no homozygotes.

Submission:

Baylor Genetics
Classification: Uncertain significance for Intellectual developmental disorder, autosomal recessive 48. Last evaluated: 2018-08-06. Review status: criteria provided, single submitter. Criteria: ACMG Guidelines, 2015. Collection method: clinical testing. Allele origin: paternal. Affected: yes.
Comment: This variant was determined to be of uncertain significance according to ACMG Guidelines, 2015 [PMID:25741868].